The following is an entry in ClinVar:

ClinVar aggregate classification (germline): Uncertain significance (1 of 4 stars; one submission).

Conditions:
GRN-related frontotemporal lobar degeneration with Tdp43 inclusions (FTD2). Also called: DEMENTIA, HEREDITARY DYSPHASIC DISINHIBITION; FRONTOTEMPORAL LOBAR DEGENERATION WITH UBIQUITIN-POSITIVE INCLUSIONS; FTLD-TDP, GRN-RELATED; GRN Frontotemporal Dementia; FRONTOTEMPORAL DEMENTIA WITH TDP43 INCLUSIONS, GRN-RELATED. Identifiers: Orphanet 100070, Orphanet 282, MedGen C1843792, MONDO:0011842, OMIM 607485. Disease mechanism: loss of function.
Neuronal ceroid lipofuscinosis 11. Also called: GRN-Related Neuronal Ceroid-Lipofuscinosis. Identifiers: Orphanet 314629, Orphanet 79262, MedGen C3539123, MONDO:0013866, OMIM 614706.

Submission:

Labcorp Genetics (formerly Invitae), Labcorp
Classification: Uncertain significance for Neuronal ceroid lipofuscinosis 11; GRN-related frontotemporal lobar degeneration with Tdp43 inclusions. Last evaluated: 2023-02-06. Review status: criteria provided, single submitter. Criteria: Invitae Variant Classification Sherloc (09022015). Collection method: clinical testing. Allele origin: germline.
Comment: In summary, the available evidence is currently insufficient to determine the role of this variant in disease. Therefore, it has been classified as a Variant of Uncertain Significance. This sequence change replaces tryptophan, which is neutral and slightly polar, with cysteine, which is neutral and slightly polar, at codon 49 of the GRN protein (p.Trp49Cys). This variant is not present in population databases (gnomAD no frequency). This variant has not been reported in the literature in individuals affected with GRN-related conditions. Algorithms developed to predict the effect of missense changes on protein structure and function (SIFT, PolyPhen-2, Align-GVGD) all suggest that this variant is likely to be tolerated.

NM_002087.4(GRN):c.147G>C (p.Trp49Cys)

Gene: GRN (granulin precursor; plus strand). Cytogenetic location: 17q21.31.
Variant type: single nucleotide variant.
Coding change: c.147G>C on transcript NM_002087.4 (MANE Select); coding-DNA position 147, G replaced by C.
Protein change: p.Trp49Cys; replaces tryptophan 49 with cysteine.
Molecular consequence: missense variant.
Genome position (GRCh38, 1-based): chr17:44,349,434, G>C. VCF-style: chr17-44349434-G-C. GRCh37 (hg19) VCF-style: chr17-42426802-G-C.
Other names: short protein forms W49C.
Identifiers: ClinVar variation 2943825 (VCV002943825.3), dbSNP rs1277918638, ClinGen allele CA399759589.